The following is an entry in ClinVar:

NM_001330288.2(SMARCC2):c.347G>A (p.Arg116His)

Gene: SMARCC2 (SWI/SNF related BAF chromatin remodeling complex subunit C2; minus strand). Cytogenetic location: 12q13.2.
Variant type: single nucleotide variant.
Coding change: c.347G>A on transcript NM_001330288.2 (MANE Select); coding-DNA position 347, G replaced by A.
Protein change: p.Arg116His; replaces arginine 116 with histidine.
Molecular consequence: missense variant.
Genome position (GRCh38, 1-based): chr12:56,185,082, C>T on the plus strand (G>A on the coding strand, the complement: SMARCC2 is on the minus strand). VCF-style: chr12-56185082-C-T. GRCh37 (hg19) VCF-style: chr12-56578866-C-T.
Other names: c.347G>A, p.Arg116His (NM_001130420.3, NM_003075.5, NM_139067.4); short protein forms R116H.
Identifiers: ClinVar variation 2663713 (VCV002663713.3), dbSNP rs2540960357, ClinGen allele CA385265487.

ClinVar aggregate classification (germline): Likely pathogenic. Review status: criteria provided, multiple submitters, no conflicts (2 of 4 stars). 2 submissions from 2 submitters: Likely pathogenic (2). Last evaluated 2025-12-19.

Conditions:
Intellectual disability. Also called: Intellectual developmental disorder; Intellectual functioning disability; intellectual disabilities. Identifiers: MedGen C3714756, MeSH D008607, MONDO:0001071, HP:0001249.

Submissions (2):

GeneDx
Classification: Likely pathogenic. Last evaluated: 2025-12-19. Review status: criteria provided, single submitter. Criteria: GeneDx Variant Classification Process June 2021. Collection method: clinical testing. Allele origin: germline.
Comment: Not observed at significant frequency in large population cohorts (gnomAD); In silico analysis supports that this missense variant has a deleterious effect on protein structure/function; Has not been previously published as pathogenic or benign to our knowledge

Cambridge Genomics Laboratory, East Genomic Laboratory Hub, NHS Genomic Medicine Service
Classification: Likely pathogenic for Intellectual disability. Last evaluated: 2019-10-24. Review status: criteria provided, single submitter. Criteria: ACGS Best Practice Guidelines for Variant Classification in Rare Disease 2020. Collection method: clinical testing. Allele origin: germline. Affected: yes. Observed: 1 variant allele.